The following is an entry in ClinVar:

NM_198687.2(KRTAP10-4):c.1146T>C (p.Ala382=)

Genes: KRTAP10-4 (keratin associated protein 10-4; plus strand), TSPEAR (thrombospondin type laminin G domain and EAR repeats; minus strand). Cytogenetic location: 21q22.3.
Variant type: single nucleotide variant.
Coding change: c.1146T>C on transcript NM_198687.2 (MANE Select); coding-DNA position 1146, T replaced by C.
Protein change: p.Ala382=; no amino-acid change (alanine 382 retained).
Molecular consequence: synonymous variant. On other transcripts: intron variant (2).
Genome position (GRCh38, 1-based): chr21:44,574,904, T>C. VCF-style: chr21-44574904-T-C. GRCh37 (hg19) VCF-style: chr21-45994781-T-C.
Other names: c.83-6899A>G (NM_144991.3); c.-122-6899A>G (NM_001272037.2).
Identifiers: ClinVar variation 2652766 (VCV002652766.24), dbSNP rs782341752, ClinGen allele CA10058489.
Genomic context (GRCh38, chr21:44,574,904, plus strand): 5'-CCTCCTCTGCCGCCCCGTGTGCAGGCCCGCCTGCTGCGTGCCCGTCCCTTCCTGCTGTGC[T>C]CCCACCTCCTCCTGCCAACCCAGCTGCTGCCGCCCAGCCTCCTGCGTGTCCCTCCTCTGA-3'
Protein context (NP_941960.2, residues 372-392): ACCVPVPSCC[Ala382=]PTSSCQPSCC

ClinVar aggregate classification (germline): Likely benign (1 of 4 stars; one submission).

Allele frequency attached by ClinVar (database versions not stated): gnomAD exomes 0.00001; ExAC 0.00002; gnomAD 0.00002; TOPMed 0.00002.
gnomAD v4.1: 14 of 1,611,722 alleles (0.00087%); highest among the groups gnomAD compares: South Asian, 0.0022%; 1 homozygote.

Submission:

CeGaT Center for Human Genetics Tuebingen
Classification: Likely benign. Last evaluated: 2022-11-01. Review status: criteria provided, single submitter. Criteria: CeGaT Center For Human Genetics Tuebingen Variant Classification Criteria Version 2. Collection method: clinical testing. Allele origin: germline. Affected: yes. Observed: 1 variant allele.
Comment: KRTAP10-4: BP4, BP7